The following is an entry in ClinVar:

NM_145239.3(PRRT2):c.251C>A (p.Ala84Asp)

Genes: MVP-DT (MVP divergent transcript; minus strand), PRRT2 (proline rich transmembrane protein 2; plus strand). Cytogenetic location: 16p11.2.
Variant type: single nucleotide variant.
Coding change: c.251C>A on transcript NM_145239.3 (MANE Select); coding-DNA position 251, C replaced by A.
Protein change: p.Ala84Asp; replaces alanine 84 with aspartic acid.
Molecular consequence: missense variant.
Genome position (GRCh38, 1-based): chr16:29,813,305, C>A. VCF-style: chr16-29813305-C-A. GRCh37 (hg19) VCF-style: chr16-29824626-C-A.
Other names: c.251C>A, p.Ala84Asp (NM_001256442.2, NM_001256443.2); short protein forms A84D.
Identifiers: ClinVar variation 2851765 (VCV002851765.3), dbSNP rs1900071780, ClinGen allele CA395477852.

ClinVar aggregate classification (germline): Uncertain significance (1 of 4 stars; one submission).

Conditions:
Episodic kinesigenic dyskinesia (EKD). Also called: Paroxysmal kinesigenic dyskinesia. Identifiers: Orphanet 98809, MedGen C1868682, MONDO:0044202.

Allele frequency attached by ClinVar (database versions not stated): gnomAD exomes 0.00001.
gnomAD v4.1: 3 of 1,614,078 alleles (0.00019%); highest among the groups gnomAD compares: East Asian, 0.0067%; no homozygotes.

Submission:

Labcorp Genetics (formerly Invitae), Labcorp
Classification: Uncertain significance for Episodic kinesigenic dyskinesia. Last evaluated: 2023-07-22. Review status: criteria provided, single submitter. Criteria: Invitae Variant Classification Sherloc (09022015). Collection method: clinical testing. Allele origin: germline.
Comment: This sequence change replaces alanine, which is neutral and non-polar, with aspartic acid, which is acidic and polar, at codon 84 of the PRRT2 protein (p.Ala84Asp). This variant is not present in population databases (gnomAD no frequency). This variant has not been reported in the literature in individuals affected with PRRT2-related conditions. Advanced modeling of protein sequence and biophysical properties (such as structural, functional, and spatial information, amino acid conservation, physicochemical variation, residue mobility, and thermodynamic stability) performed at Invitae indicates that this missense variant is not expected to disrupt PRRT2 protein function. In summary, the available evidence is currently insufficient to determine the role of this variant in disease. Therefore, it has been classified as a Variant of Uncertain Significance.